The following is an entry in ClinVar:

ClinVar aggregate classification (germline): Uncertain significance (1 of 4 stars; one submission).

Conditions:
Developmental and epileptic encephalopathy, 42 (DEE42A). Also called: Epileptic encephalopathy, early infantile, 42; DEVELOPMENTAL AND EPILEPTIC ENCEPHALOPATHY 42A; EPILEPTIC ENCEPHALOPATHY, EARLY INFANTILE, 42A. Identifiers: MedGen C4310716, MONDO:0014917, OMIM 617106.
Episodic ataxia type 2 (EA2). Also called: ACETAZOLAMIDE-RESPONSIVE HEREDITARY PAROXYSMAL CEREBELLAR ATAXIA; ATAXIA, EPISODIC, WITH NYSTAGMUS; ATAXIA, FAMILIAL PAROXYSMAL; CEREBELLAR ATAXIA, PAROXYSMAL, ACETAZOLAMIDE-RESPONSIVE; CEREBELLOPATHY, HEREDITARY PAROXYSMAL; EPISODIC ATAXIA, NYSTAGMUS-ASSOCIATED. Identifiers: Orphanet 97, MedGen C1720416, MONDO:0007163, OMIM 108500.

Allele frequency attached by ClinVar (database versions not stated): TOPMed below 0.00001; gnomAD 0.00001; gnomAD exomes below 0.00001.
gnomAD v4.1: 3 of 1,602,246 alleles (0.00019%); highest among the groups gnomAD compares: African/African-American, 0.0013%; no homozygotes.

Submission:

Labcorp Genetics (formerly Invitae), Labcorp
Classification: Uncertain significance for Developmental and epileptic encephalopathy, 42; Episodic ataxia type 2. Last evaluated: 2025-07-15. Review status: criteria provided, single submitter. Criteria: Invitae Variant Classification Sherloc (09022015). Collection method: clinical testing. Allele origin: germline.
Comment: This sequence change falls in intron 37 of the CACNA1A gene. It does not directly change the encoded amino acid sequence of the CACNA1A protein. It affects a nucleotide within the consensus splice site. This variant is not present in population databases (gnomAD no frequency). This variant has not been reported in the literature in individuals affected with CACNA1A-related conditions. ClinVar contains an entry for this variant (Variation ID: 1009534). Variants that disrupt the consensus splice site are a relatively common cause of aberrant splicing (PMID: 17576681, 9536098). Algorithms developed to predict the effect of sequence changes on RNA splicing suggest that this variant is not likely to affect RNA splicing. In summary, the available evidence is currently insufficient to determine the role of this variant in disease. Therefore, it has been classified as a Variant of Uncertain Significance.

Literature cited by the submitters: PubMed 17576681; PubMed 9536098.

NM_001127222.2(CACNA1A):c.5626-3T>C

Gene: CACNA1A (calcium voltage-gated channel subunit alpha1 A; minus strand). Cytogenetic location: 19p13.13.
Variant type: single nucleotide variant.
Coding change: c.5626-3T>C on transcript NM_001127222.2 (MANE Select); 3 bases into the intron before coding-DNA position 5626, T replaced by C.
Molecular consequence: intron variant.
Genome position (GRCh38, 1-based): chr19:13,224,775, A>G on the plus strand (T>C on the coding strand, the complement: CACNA1A is on the minus strand). VCF-style: chr19-13224775-A-G. GRCh37 (hg19) VCF-style: chr19-13335589-A-G.
Other names: c.5629-3T>C (NM_001127221.2); c.5635-3T>C (NM_001174080.2); c.5644-3T>C (NM_000068.4, NM_023035.3).
Identifiers: ClinVar variation 1009534 (VCV001009534.7), dbSNP rs2055372579, ClinGen allele CA993717307.